The following is an entry in ClinVar:

NM_020738.4(KIDINS220):c.1729T>C (p.Leu577=)

Gene: KIDINS220 (kinase D interacting substrate 220; minus strand). Cytogenetic location: 2p25.1.
Variant type: single nucleotide variant.
Coding change: c.1729T>C on transcript NM_020738.4 (MANE Select); coding-DNA position 1729, T replaced by C.
Protein change: p.Leu577=; no amino-acid change (leucine 577 retained).
Molecular consequence: synonymous variant. On other transcripts: non-coding transcript variant (2).
Genome position (GRCh38, 1-based): chr2:8,788,705, A>G on the plus strand (T>C on the coding strand, the complement: KIDINS220 is on the minus strand). VCF-style: chr2-8788705-A-G. GRCh37 (hg19) VCF-style: chr2-8928835-A-G.
Other names: c.1603T>C, p.Leu535= (NM_001348736.2); c.1729T>C, p.Leu577= (NM_001348738.2, NM_001348741.2, NM_001348742.2 and 3 more transcripts); c.1732T>C, p.Leu578= (NM_001348739.2, NM_001348740.2, NM_001348745.2 and 3 more transcripts).
Identifiers: ClinVar variation 1337336 (VCV001337336.8), dbSNP rs775304274, ClinGen allele CA1520117.

ClinVar aggregate classification (germline): Likely benign. Review status: criteria provided, multiple submitters, no conflicts (2 of 4 stars). 3 submissions from 3 submitters: Likely benign (2). 1 of the submissions does not count toward it. Last evaluated 2023-07-09.

Conditions:
KIDINS220-related disorder. Also called: KIDINS220-related condition.

Allele frequency attached by ClinVar (database versions not stated): gnomAD exomes 0.00001 and 0.00002; ExAC 0.00003; gnomAD 0.00004 and 0.00005; TOPMed 0.00008.
gnomAD v4.1: 14 of 1,614,214 alleles (0.00087%); highest among the groups gnomAD compares: African/African-American, 0.0093%; no homozygotes.

Submissions (3):

Labcorp Genetics (formerly Invitae), Labcorp
Classification: Likely benign. Last evaluated: 2023-07-09. Review status: criteria provided, single submitter. Criteria: Invitae Variant Classification Sherloc (09022015). Collection method: clinical testing. Allele origin: germline.

Genetic Services Laboratory, University of Chicago
Classification: Likely benign. Last evaluated: 2019-08-26. Review status: criteria provided, single submitter. Criteria: ACMG Guidelines, 2015. Collection method: clinical testing. Allele origin: germline. Affected: no.

PreventionGenetics, part of Exact Sciences
Classification: Likely benign for KIDINS220-related condition. Last evaluated: 2024-04-09. Review status: no assertion criteria provided. Collection method: clinical testing. Allele origin: germline. Not counted in ClinVar's aggregate classification.
Comment: This variant is classified as likely benign based on ACMG/AMP sequence variant interpretation guidelines (Richards et al. 2015 PMID: 25741868, with internal and published modifications).